The following is an entry in ClinVar:

ClinVar aggregate classification (germline): Uncertain significance. Review status: criteria provided, multiple submitters, no conflicts (2 of 4 stars). 2 submissions from 2 submitters: Uncertain significance (2). Last evaluated 2025-12-08.

Allele frequency attached by ClinVar (database versions not stated): ExAC 0.00005; TOPMed 0.00008; gnomAD 0.00009; 1000 Genomes Project 30x 0.00031.
gnomAD v4.1: 52 of 1,613,924 alleles (0.0032%); highest among the groups gnomAD compares: South Asian, 0.018%; 1 homozygote.

Submissions (2):

Labcorp Genetics (formerly Invitae), Labcorp
Classification: Uncertain significance. Last evaluated: 2025-12-08. Review status: criteria provided, single submitter. Criteria: Invitae Variant Classification Sherloc (09022015). Collection method: clinical testing. Allele origin: germline.
Comment: This sequence change replaces tyrosine, which is neutral and polar, with cysteine, which is neutral and slightly polar, at codon 396 of the NAF1 protein (p.Tyr396Cys). This variant is present in population databases (rs753226636, gnomAD 0.02%). This variant has not been reported in the literature in individuals affected with NAF1-related conditions. ClinVar contains an entry for this variant (Variation ID: 1939874). An algorithm developed to predict the effect of missense changes on protein structure and function outputs the following: PolyPhen-2: "Benign". The cysteine amino acid residue is found in multiple mammalian species, which suggests that this missense change does not adversely affect protein function. In summary, the available evidence is currently insufficient to determine the role of this variant in disease. Therefore, it has been classified as a Variant of Uncertain Significance.

Ambry Genetics
Classification: Uncertain significance. Last evaluated: 2021-07-14. Review status: criteria provided, single submitter. Criteria: Ambry Variant Classification Scheme 2023. Collection method: clinical testing. Allele origin: germline.

NM_138386.3(NAF1):c.1187A>G (p.Tyr396Cys)

Gene: NAF1 (nuclear assembly factor 1 ribonucleoprotein; minus strand). Cytogenetic location: 4q32.2.
Variant type: single nucleotide variant.
Coding change: c.1187A>G on transcript NM_138386.3 (MANE Select); coding-DNA position 1187, A replaced by G.
Protein change: p.Tyr396Cys; replaces tyrosine 396 with cysteine.
Molecular consequence: missense variant. On other transcripts: intron variant (1).
Genome position (GRCh38, 1-based): chr4:163,129,195, T>C on the plus strand (A>G on the coding strand, the complement: NAF1 is on the minus strand). VCF-style: chr4-163129195-T-C. GRCh37 (hg19) VCF-style: chr4-164050347-T-C.
Other names: c.1034-2080A>G (NM_001128931.2); short protein forms Y396C.
Identifiers: ClinVar variation 1939874 (VCV001939874.6), dbSNP rs753226636, ClinGen allele CA3126147.
Genomic context (GRCh38, chr4:163,129,195, plus strand): 5'-TTATTTTGTCTCTGAGAAGGAAATCCTGAAGTCTCCTGAGATACCATATGTTCTGAGTTA[T>C]AGAAATGCTGAGGTGGAGGCCTGCCATGGCAAGATCGAGGGTATCTGGCCCTGGAAAATC-3'
Protein context (NP_612395.2, residues 386-406): CHGRPPPQHF[Tyr396Cys]NSEHMVSQET